The following is an entry in ClinVar:

NM_001170535.3(ATAD3A):c.295G>A (p.Ala99Thr)

Gene: ATAD3A (ATPase family AAA domain containing 3A; plus strand). Cytogenetic location: 1p36.33.
Variant type: single nucleotide variant.
Coding change: c.295G>A on transcript NM_001170535.3 (MANE Select); coding-DNA position 295, G replaced by A.
Protein change: p.Ala99Thr; replaces alanine 99 with threonine.
Molecular consequence: missense variant.
Genome position (GRCh38, 1-based): chr1:1,517,323, G>A. VCF-style: chr1-1517323-G-A. GRCh37 (hg19) VCF-style: chr1-1452703-G-A.
Other names: c.58G>A, p.Ala20Thr (NM_001170536.3); c.439G>A, p.Ala147Thr (NM_018188.5); short protein forms A147T, A20T, A99T.
Identifiers: ClinVar variation 3904979 (VCV003904979.11).

ClinVar aggregate classification (germline): Likely benign. Review status: criteria provided, multiple submitters, no conflicts (2 of 4 stars). 2 submissions from 2 submitters: Likely benign (2). Last evaluated 2026-05-01.

gnomAD v4.1: 2,099 of 1,545,728 alleles (0.14%); highest among the groups gnomAD compares: Middle Eastern, 0.17%; 5 homozygotes.

Submissions (2):

CeGaT Center for Human Genetics Tuebingen
Classification: Likely benign. Last evaluated: 2026-05-01. Review status: criteria provided, single submitter. Criteria: CeGaT Center For Human Genetics Tuebingen Variant Classification Criteria Version 2. Collection method: clinical testing. Allele origin: germline. Affected: yes. Observed: 2 variant alleles.
Comment: ATAD3A: BS2

Blueprint Genetics
Classification: Likely benign. Last evaluated: 2024-10-25. Review status: criteria provided, single submitter. Criteria: ACMG Guidelines, 2015. Collection method: clinical testing. Allele origin: germline.